The following is an entry in ClinVar:

ClinVar aggregate classification (germline): Uncertain significance (1 of 4 stars; one submission).

Submission:

GeneDx
Classification: Uncertain significance. Last evaluated: 2023-01-17. Review status: criteria provided, single submitter. Criteria: GeneDx Variant Classification Process June 2021. Collection method: clinical testing. Allele origin: germline. Affected: yes.
Comment: In-frame deletion of 2 amino acids in a non-repeat region; Not observed at significant frequency in large population cohorts (gnomAD); In silico analysis supports that this variant does not alter protein structure/function; Has not been previously published as pathogenic or benign to our knowledge

NM_015057.5(MYCBP2):c.147GGGGCT[2] (p.50GL[2])

Genes: MYCBP2 (MYC binding protein 2; minus strand), LOC130009920 (ATAC-STARR-seq lymphoblastoid silent region 5418; plus strand). Cytogenetic location: 13q22.3.
Variant type: Microsatellite.
Coding change: c.147GGGGCT[2] on transcript NM_015057.5 (MANE Select); two copies in a row of the 6-base unit GGGGCT starting at c.147; the reference has three copies in a row; one copy, 6 bases deleted.
Protein change: p.50GL[2].
Molecular consequence: inframe deletion.
Genome position (GRCh38, 1-based): chr13:77,326,612-77,326,617, AGCCCC deleted on the plus strand (GGGGCT on the coding strand, the reverse complement: MYCBP2 is on the minus strand); deleting any 6 consecutive bases within chr13:77,326,612-77,326,629 gives the same sequence; the position shown is the placement nearest the transcript's 3' end. VCF-style (leftmost placement, unchanged base first): chr13-77326611-TAGCCCC-T. GRCh37 (hg19) VCF-style: chr13-77900746-TAGCCCC-T.
Identifiers: ClinVar variation 2572926 (VCV002572926.1), dbSNP rs764522648, ClinGen allele CA611399448.